The following is an entry in ClinVar:

ClinVar aggregate classification (germline): Uncertain significance (1 of 4 stars; one submission).

gnomAD v4.1: 1 of 1,003,362 alleles (0.0001%); highest among the groups gnomAD compares: Non-Finnish European, 0.00012%; no homozygotes.

Submission:

Labcorp Genetics (formerly Invitae), Labcorp
Classification: Uncertain significance. Last evaluated: 2025-02-06. Review status: criteria provided, single submitter. Criteria: Invitae Variant Classification Sherloc (09022015). Collection method: clinical testing. Allele origin: germline.
Comment: This sequence change replaces arginine, which is basic and polar, with cysteine, which is neutral and slightly polar, at codon 8 of the KL protein (p.Arg8Cys). The frequency data for this variant in the population databases is considered unreliable, as metrics indicate insufficient coverage at this position in the gnomAD database. This variant has not been reported in the literature in individuals affected with KL-related conditions. An algorithm developed to predict the effect of missense changes on protein structure and function (PolyPhen-2) suggests that this variant is likely to be tolerated. In summary, the available evidence is currently insufficient to determine the role of this variant in disease. Therefore, it has been classified as a Variant of Uncertain Significance.

NM_004795.4(KL):c.22C>T (p.Arg8Cys)

Gene: KL (klotho; plus strand). Cytogenetic location: 13q13.1.
Variant type: single nucleotide variant.
Coding change: c.22C>T on transcript NM_004795.4 (MANE Select); coding-DNA position 22, C replaced by T.
Protein change: p.Arg8Cys; replaces arginine 8 with cysteine.
Molecular consequence: missense variant.
Genome position (GRCh38, 1-based): chr13:33,016,462, C>T. VCF-style: chr13-33016462-C-T. GRCh37 (hg19) VCF-style: chr13-33590600-C-T.
Other names: short protein forms R8C.
Identifiers: ClinVar variation 4808948 (VCV004808948.1).